The following is an entry in ClinVar:

NM_014112.5(TRPS1):c.2396dup (p.Ser799fs)

Gene: TRPS1 (transcriptional repressor GATA binding 1; minus strand). Cytogenetic location: 8q23.3.
Variant type: Duplication.
Coding change: c.2396dup on transcript NM_014112.5 (MANE Select); coding-DNA position 2396, one base duplicated (G; older notation c.2396dupG).
Protein change: p.Ser799fs; shifts the reading frame from serine 799.
Molecular consequence: frameshift variant.
Genome position (GRCh38, 1-based): chr8:115,587,305, C duplicated on the plus strand (G on the coding strand, the reverse complement: TRPS1 is on the minus strand). VCF-style (leftmost placement, unchanged base first): chr8-115587304-A-AC. GRCh37 (hg19) VCF-style: chr8-116599531-A-AC.
Other names: c.2369dup, p.Ser790fs (NM_001282902.3); c.2375dup, p.Ser792fs (NM_001282903.3); c.2357dup, p.Ser786fs (NM_001330599.2); short protein forms S786fs, S790fs, S792fs, S799fs.
Identifiers: ClinVar variation 4073596 (VCV004073596.1).

ClinVar aggregate classification (germline): Likely pathogenic (1 of 4 stars; one submission).

Conditions:
Trichorhinophalangeal dysplasia type I (TRPS1). Also called: TRICHORHINOPHALANGEAL SYNDROME, TYPE I; TRPS I. Identifiers: Orphanet 77258, MedGen C0432233, MONDO:0008596, OMIM 190350.

Submission:

Department of Pediatric Genetics, University of Health Sciences, Ankara Bilkent City Children’s Hospital
Classification: Likely pathogenic for Trichorhinophalangeal dysplasia type I. Last evaluated: 2024-12-01. Review status: criteria provided, single submitter. Criteria: ACMG Guidelines, 2015. Collection method: clinical testing. Allele origin: maternal. Affected: yes.
Comment: The c.2396dup variant in the TRPS1 gene (NM_014112.5) is a frameshift located in exon 5 and has not been previously reported in ClinVar. This variant is predicted to result in loss of function due to a truncated or absent protein (PVS1). The allele frequency of this variant is not reported, and it is absent from population databases such as gnomAD (PM2). In summary, this variant meets the criteria to be classified as likely pathogenic for Trichorhinophalangeal syndrome type I (OMIM #190350), based on the ACMG guidelines (Richards et al., 2015), with supporting evidence from criteria PVS1, PM2.